The following is an entry in ClinVar:

ClinVar aggregate classification (germline): Pathogenic/Likely pathogenic. Review status: criteria provided, multiple submitters, no conflicts (2 of 4 stars). 3 submissions from 3 submitters: Pathogenic (1); Likely pathogenic (1). 1 of the submissions does not count toward it. Last evaluated 2026-08-05.

Conditions:
Familial long QT syndrome (RWS). Also called: Congenital long QT syndrome; Romano-Ward syndrome; VENTRICULAR FIBRILLATION WITH PROLONGED QT INTERVAL. Identifiers: Orphanet 768, MedGen C1141890, MONDO:0019171.
Andersen Tawil syndrome (LQT7). Also called: ANDERSEN CARDIODYSRHYTHMIC PERIODIC PARALYSIS; Andersen Syndrome; Potassium-sensitive periodic paralysis, ventricular ectopy, and dysmorphic features; LONG QT SYNDROME 7; PERIODIC PARALYSIS, POTASSIUM-SENSITIVE CARDIODYSRHYTHMIC TYPE. Identifiers: Orphanet 37553, MedGen C1563715, MONDO:0008222, OMIM 170390.
Short QT syndrome type 3. Identifiers: Orphanet 51083, MedGen C1865018, MONDO:0012314, OMIM 609622.

Submissions (3):

GeneDx
Classification: Likely pathogenic. Last evaluated: 2026-08-05. Review status: criteria provided, single submitter. Criteria: GeneDx Variant Classification Process June 2021. Collection method: clinical testing. Allele origin: germline.
Comment: Not observed at significant frequency in large population cohorts (gnomAD); In silico analysis supports that this missense variant has a deleterious effect on protein structure/function; This variant is associated with the following publications: (PMID: 30533530, 39711719, 20111058, 34127479, 40512043)

Labcorp Genetics (formerly Invitae), Labcorp
Classification: Pathogenic for Short QT syndrome type 3; Andersen Tawil syndrome. Last evaluated: 2022-06-17. Review status: criteria provided, single submitter. Criteria: Invitae Variant Classification Sherloc (09022015). Collection method: clinical testing. Allele origin: germline.
Comment: For these reasons, this variant has been classified as Pathogenic. Advanced modeling of protein sequence and biophysical properties (such as structural, functional, and spatial information, amino acid conservation, physicochemical variation, residue mobility, and thermodynamic stability) performed at Invitae indicates that this missense variant is expected to disrupt KCNJ2 protein function. ClinVar contains an entry for this variant (Variation ID: 67582). This missense change has been observed in individuals with clinical features of Andersen-Tawil syndrome (PMID: 20111058, 30533530, 34127479). It has also been observed to segregate with disease in related individuals. This variant is not present in population databases (gnomAD no frequency). This sequence change replaces threonine, which is neutral and polar, with isoleucine, which is neutral and non-polar, at codon 192 of the KCNJ2 protein (p.Thr192Ile).

Cardiovascular Biomedical Research Unit, Royal Brompton & Harefield NHS Foundation Trust
No classification provided. Condition: Familial long QT syndrome. Review status: no classification provided. Collection method: literature only. Allele origin: germline. Not counted in ClinVar's aggregate classification.
Comment: This variant has been reported in the following publications (PMID:20111058).

Literature cited by the submitters: PubMed 20111058 (cited by Labcorp Genetics (formerly Invitae), Labcorp and Cardiovascular Biomedical Research Unit, Royal Brompton & Harefield NHS Foundation Trust); PubMed 30533530 (cited by Labcorp Genetics (formerly Invitae), Labcorp); PubMed 34127479 (cited by Labcorp Genetics (formerly Invitae), Labcorp); PubMed 22581653 (cited by Cardiovascular Biomedical Research Unit, Royal Brompton & Harefield NHS Foundation Trust).

NM_000891.3(KCNJ2):c.575C>T (p.Thr192Ile)

Gene: KCNJ2 (potassium inwardly rectifying channel subfamily J member 2; plus strand). Cytogenetic location: 17q24.3.
Variant type: single nucleotide variant.
Coding change: c.575C>T on transcript NM_000891.3 (MANE Select); coding-DNA position 575, C replaced by T.
Protein change: p.Thr192Ile; replaces threonine 192 with isoleucine.
Molecular consequence: missense variant.
Genome position (GRCh38, 1-based): chr17:70,175,614, C>T. VCF-style: chr17-70175614-C-T. GRCh37 (hg19) VCF-style: chr17-68171755-C-T.
Other names: c.575C>T (LRG_328t1); short protein forms T192I.
Identifiers: ClinVar variation 67582 (VCV000067582.7), dbSNP rs199473655, ClinGen allele CA329690.